The following is an entry in ClinVar:

ClinVar aggregate classification (germline): Uncertain significance. Review status: criteria provided, multiple submitters, no conflicts (2 of 4 stars). 2 submissions from 2 submitters: Uncertain significance (2). Last evaluated 2025-12-01.

Conditions:
Inborn genetic diseases. Identifiers: MedGen C0950123, MeSH D030342.

gnomAD v4.1: 10 of 1,604,322 alleles (0.00062%); highest among the groups gnomAD compares: African/African-American, 0.004%; no homozygotes.

Submissions (2):

Women's Health and Genetics/Laboratory Corporation of America, LabCorp
Classification: Uncertain significance. Last evaluated: 2025-12-01. Review status: criteria provided, single submitter. Criteria: LabCorp Variant Classification Summary - May 2015. Collection method: clinical testing. Allele origin: germline.
Comment: Variant summary: PPFIBP1 c.349G>C (p.Val117Leu) results in a conservative amino acid change in the encoded protein sequence. Algorithms developed to predict the effect of missense changes on protein structure and function are either unavailable or do not agree on the potential impact of this missense change. The variant allele was found at a frequency of 4e-06 in 250290 control chromosomes. The available data on variant occurrences in the general population are insufficient to allow any conclusion about variant significance. To our knowledge, no occurrence of c.349G>C in individuals affected with PPFIBP1-related conditions and no experimental evidence demonstrating its impact on protein function have been reported. ClinVar contains an entry for this variant (Variation ID: 3782239). Based on the evidence outlined above, the variant was classified as uncertain significance.

Ambry Genetics
Classification: Uncertain significance for Inborn genetic diseases. Last evaluated: 2025-01-15. Review status: criteria provided, single submitter. Criteria: Ambry Variant Classification Scheme 2023. Collection method: clinical testing. Allele origin: germline.

NM_003622.4(PPFIBP1):c.349G>C (p.Val117Leu)

Gene: PPFIBP1 (PPFIB scaffold protein 1; plus strand). Cytogenetic location: 12p11.22.
Variant type: single nucleotide variant.
Coding change: c.349G>C on transcript NM_003622.4 (MANE Select); coding-DNA position 349, G replaced by C.
Protein change: p.Val117Leu; replaces valine 117 with leucine.
Molecular consequence: missense variant. On other transcripts: 5 prime UTR variant (1).
Genome position (GRCh38, 1-based): chr12:27,646,140, G>C. VCF-style: chr12-27646140-G-C. GRCh37 (hg19) VCF-style: chr12-27799073-G-C.
Other names: c.-111G>C (NM_001198915.2); c.349G>C, p.Val117Leu (NM_001198916.2, NM_177444.3); short protein forms V117L.
Identifiers: ClinVar variation 3782239 (VCV003782239.2).